The following is an entry in ClinVar:

ClinVar aggregate classification (germline): Pathogenic (1 of 4 stars; one submission).

Allele frequency attached by ClinVar (database versions not stated): gnomAD exomes below 0.00001; gnomAD 0.00001.

Submission:

Labcorp Genetics (formerly Invitae), Labcorp
Classification: Pathogenic. Last evaluated: 2020-09-02. Review status: criteria provided, single submitter. Criteria: Invitae Variant Classification Sherloc (09022015). Collection method: clinical testing. Allele origin: germline.
Comment: For these reasons, this variant has been classified as Pathogenic. Loss-of-function variants in ESCO2 are known to be pathogenic (PMID: 15821733, 16380922). This variant has not been reported in the literature in individuals with ESCO2-related conditions. This variant is not present in population databases (ExAC no frequency). This sequence change creates a premature translational stop signal (p.Arg153Lysfs*11) in the ESCO2 gene. It is expected to result in an absent or disrupted protein product.

Literature cited by the submitters: PubMed 15821733; PubMed 16380922.

NM_001017420.3(ESCO2):c.457dup (p.Arg153fs)

Gene: ESCO2 (establishment of sister chromatid cohesion N-acetyltransferase 2; plus strand). Cytogenetic location: 8p21.1.
Variant type: Duplication.
Coding change: c.457dup on transcript NM_001017420.3 (MANE Select); coding-DNA position 457, one base duplicated (A; older notation c.457dupA).
Protein change: p.Arg153fs; shifts the reading frame from arginine 153.
Molecular consequence: frameshift variant.
Genome position (GRCh38, 1-based): chr8:27,776,765, A duplicated. VCF-style (leftmost placement, unchanged base first): chr8-27776764-T-TA. GRCh37 (hg19) VCF-style: chr8-27634281-T-TA.
Other names: short protein forms R153fs.
Identifiers: ClinVar variation 1072358 (VCV001072358.5), dbSNP rs1804802088, ClinGen allele CA1112167111.
Genomic context (GRCh38, chr8:27,776,764, plus strand): 5'-CTCCAAGAAGAACAACAAAAAACCACAGAAGAGTTTAACTGCTAAGTATCAACCAAAGTA[T>TA]AGACACATCAAGCCTGTATCAAGGAATTCTAGAAATTCCAAGCAAAATCGAGTGATCTAT-3'